The following is an entry in ClinVar:

ClinVar aggregate classification (germline): Pathogenic (1 of 4 stars; one submission).

Conditions:
Alpha thalassemia-X-linked intellectual disability syndrome (ATRX). Also called: ALPHA-THALASSEMIA/MENTAL RETARDATION SYNDROME, X-LINKED; ATR, NONDELETION TYPE; ATR-X syndrome; Alpha thalassemia mental retardation syndrome, nondeletion type, X-linked; XLMR hypotonic face syndrome; X-linked alpha-thalassemia-mental retardation syndrome. Identifiers: Orphanet 847, MedGen C1845055, MONDO:0010519, OMIM 301040.

Submission:

Labcorp Genetics (formerly Invitae), Labcorp
Classification: Pathogenic for Alpha thalassemia-X-linked intellectual disability syndrome. Last evaluated: 2022-08-29. Review status: criteria provided, single submitter. Criteria: Invitae Variant Classification Sherloc (09022015). Collection method: clinical testing. Allele origin: germline.
Comment: This variant is not present in population databases (gnomAD no frequency). This variant has not been reported in the literature in individuals affected with ATRX-related conditions. For these reasons, this variant has been classified as Pathogenic. This sequence change creates a premature translational stop signal (p.Ser54*) in the ATRX gene. It is expected to result in an absent or disrupted protein product. Loss-of-function variants in ATRX are known to be pathogenic (PMID: 15591283, 18409179, 23681356).

Literature cited by the submitters: PubMed 15591283; PubMed 18409179; PubMed 23681356.

NM_000489.6(ATRX):c.161_162del (p.Asn53_Ser54insTer)

Gene: ATRX (ATRX chromatin remodeler; minus strand). Cytogenetic location: Xq21.1.
Variant type: Microsatellite.
Coding change: c.161_162del on transcript NM_000489.6 (MANE Select); coding-DNA positions 161 to 162, 2 bases deleted (CT; older notation c.161_162delCT).
Protein change: p.Asn53_Ser54insTer.
Molecular consequence: nonsense.
Genome position (GRCh38, 1-based): chrX:77,698,601-77,698,602, AG deleted on the plus strand (CT on the coding strand, the reverse complement: ATRX is on the minus strand); deleting any 2 consecutive bases within chrX:77,698,601-77,698,604 gives the same sequence; the c. name uses the placement nearest the transcript's 3' end. VCF-style (leftmost placement, unchanged base first): chrX-77698600-CAG-C. GRCh37 (hg19) VCF-style: chrX-76954088-CAG-C.
Other names: c.161_162del, p.Asn53_Ser54insTer (NM_138270.5).
Identifiers: ClinVar variation 2024014 (VCV002024014.4), dbSNP rs2520173058, ClinGen allele CA2580612376.